The following is an entry in ClinVar:

ClinVar aggregate classification (germline): Uncertain significance. Review status: criteria provided, multiple submitters, no conflicts (2 of 4 stars). 2 submissions from 2 submitters: Uncertain significance (2). Last evaluated 2022-10-04.

Submissions (2):

Labcorp Genetics (formerly Invitae), Labcorp
Classification: Uncertain significance. Last evaluated: 2022-10-04. Review status: criteria provided, single submitter. Criteria: Invitae Variant Classification Sherloc (09022015). Collection method: clinical testing. Allele origin: germline.
Comment: In summary, the available evidence is currently insufficient to determine the role of this variant in disease. Therefore, it has been classified as a Variant of Uncertain Significance. ClinVar contains an entry for this variant (Variation ID: 517637). Advanced modeling of protein sequence and biophysical properties (such as structural, functional, and spatial information, amino acid conservation, physicochemical variation, residue mobility, and thermodynamic stability) performed at Invitae indicates that this missense variant is not expected to disrupt ADGRV1 protein function. This variant has not been reported in the literature in individuals affected with ADGRV1-related conditions. This variant is not present in population databases (gnomAD no frequency). This sequence change replaces aspartic acid, which is acidic and polar, with glutamic acid, which is acidic and polar, at codon 3726 of the ADGRV1 protein (p.Asp3726Glu).

Laboratory for Molecular Medicine, Mass General Brigham Personalized Medicine
Classification: Uncertain significance. Last evaluated: 2017-12-21. Review status: criteria provided, single submitter. Criteria: LMM Criteria. Collection method: clinical testing. Allele origin: germline. Observed: 1 variant allele.
Comment: The p.Asp3726Glu variant in ADGRV1 has not been reported in individuals with Ush er syndrome or in large population studies. Computational prediction tools and c onservation analysis suggest that the p.Asp3726Glu variant may impact the protei n, though this information is not predictive enough to determine pathogenicity. In summary, while the clinical significance of the p.Asp3726Glu variant is uncer tain. ACMG/AMP Criteria applied: PM2, PP3.

NM_032119.4(ADGRV1):c.11178T>A (p.Asp3726Glu)

Gene: ADGRV1 (adhesion G protein-coupled receptor V1; plus strand). Cytogenetic location: 5q14.3.
Variant type: single nucleotide variant.
Coding change: c.11178T>A on transcript NM_032119.4 (MANE Select); coding-DNA position 11178, T replaced by A.
Protein change: p.Asp3726Glu; replaces aspartic acid 3726 with glutamic acid.
Molecular consequence: missense variant. On other transcripts: non-coding transcript variant (1).
Genome position (GRCh38, 1-based): chr5:90,753,630, T>A. VCF-style: chr5-90753630-T-A. GRCh37 (hg19) VCF-style: chr5-90049447-T-A.
Other names: short protein forms D3726E.
Identifiers: ClinVar variation 517637 (VCV000517637.8), dbSNP rs1554104329, ClinGen allele CA360364600.